The following is an entry in ClinVar:

ClinVar aggregate classification (germline): Uncertain significance (1 of 4 stars; one submission).

Allele frequency attached by ClinVar (database versions not stated): gnomAD exomes below 0.00001.
gnomAD v4.1: 1 of 1,614,188 alleles (0.000062%); highest among the groups gnomAD compares: Non-Finnish European, 0.000085%; no homozygotes.

Submission:

Labcorp Genetics (formerly Invitae), Labcorp
Classification: Uncertain significance. Last evaluated: 2024-09-06. Review status: criteria provided, single submitter. Criteria: Invitae Variant Classification Sherloc (09022015). Collection method: clinical testing. Allele origin: germline.
Comment: This sequence change replaces threonine, which is neutral and polar, with isoleucine, which is neutral and non-polar, at codon 729 of the ABCA1 protein (p.Thr729Ile). This variant is not present in population databases (gnomAD no frequency). This variant has not been reported in the literature in individuals affected with ABCA1-related conditions. Invitae Evidence Modeling of protein sequence and biophysical properties (such as structural, functional, and spatial information, amino acid conservation, physicochemical variation, residue mobility, and thermodynamic stability) indicates that this missense variant is not expected to disrupt ABCA1 protein function with a negative predictive value of 80%. In summary, the available evidence is currently insufficient to determine the role of this variant in disease. Therefore, it has been classified as a Variant of Uncertain Significance.

NM_005502.4(ABCA1):c.2186C>T (p.Thr729Ile)

Gene: ABCA1 (ATP binding cassette subfamily A member 1; minus strand). Cytogenetic location: 9q31.1.
Variant type: single nucleotide variant.
Coding change: c.2186C>T on transcript NM_005502.4 (MANE Select); coding-DNA position 2186, C replaced by T.
Protein change: p.Thr729Ile; replaces threonine 729 with isoleucine.
Molecular consequence: missense variant.
Genome position (GRCh38, 1-based): chr9:104,827,099, G>A on the plus strand (C>T on the coding strand, the complement: ABCA1 is on the minus strand). VCF-style: chr9-104827099-G-A. GRCh37 (hg19) VCF-style: chr9-107589380-G-A.
Other names: short protein forms T729I.
Identifiers: ClinVar variation 2811988 (VCV002811988.3), dbSNP rs2538164898, ClinGen allele CA374321848.